The following is an entry in ClinVar:

NM_001170629.2(CHD8):c.6028G>A (p.Glu2010Lys)

Gene: CHD8 (chromodomain helicase DNA binding protein 8; minus strand). Cytogenetic location: 14q11.2.
Variant type: single nucleotide variant.
Coding change: c.6028G>A on transcript NM_001170629.2 (MANE Select); coding-DNA position 6028, G replaced by A.
Protein change: p.Glu2010Lys; replaces glutamic acid 2010 with lysine.
Molecular consequence: missense variant.
Genome position (GRCh38, 1-based): chr14:21,393,767, C>T on the plus strand (G>A on the coding strand, the complement: CHD8 is on the minus strand). VCF-style: chr14-21393767-C-T. GRCh37 (hg19) VCF-style: chr14-21861926-C-T.
Other names: c.5191G>A, p.Glu1731Lys (NM_020920.4); short protein forms E1731K, E2010K.
Identifiers: ClinVar variation 2419257 (VCV002419257.2), dbSNP rs746144179, ClinGen allele CA7090850.

ClinVar aggregate classification (germline): Uncertain significance (1 of 4 stars; one submission).

Allele frequency attached by ClinVar (database versions not stated): ExAC 0.00001; gnomAD exomes 0.00001.
gnomAD v4.1: 10 of 1,613,868 alleles (0.00062%); highest among the groups gnomAD compares: East Asian, 0.0022%; no homozygotes.

Submission:

Labcorp Genetics (formerly Invitae), Labcorp
Classification: Uncertain significance. Last evaluated: 2022-04-06. Review status: criteria provided, single submitter. Criteria: Invitae Variant Classification Sherloc (09022015). Collection method: clinical testing. Allele origin: germline.
Comment: This sequence change replaces glutamic acid, which is acidic and polar, with lysine, which is basic and polar, at codon 2010 of the CHD8 protein (p.Glu2010Lys). This variant is present in population databases (rs746144179, gnomAD 0.003%). This variant has not been reported in the literature in individuals affected with CHD8-related conditions. Algorithms developed to predict the effect of missense changes on protein structure and function are either unavailable or do not agree on the potential impact of this missense change (SIFT: "Tolerated"; PolyPhen-2: "Possibly Damaging"; Align-GVGD: "Class C0"). In summary, the available evidence is currently insufficient to determine the role of this variant in disease. Therefore, it has been classified as a Variant of Uncertain Significance.